The following is an entry in ClinVar:

NM_014804.3(KIAA0753):c.1571_1572del (p.Arg524fs)

Gene: KIAA0753 (KIAA0753; minus strand). Cytogenetic location: 17p13.1.
Variant type: Deletion.
Coding change: c.1571_1572del on transcript NM_014804.3 (MANE Select); coding-DNA positions 1571 to 1572, 2 bases deleted (GA; older notation c.1571_1572delGA).
Protein change: p.Arg524fs; shifts the reading frame from arginine 524.
Molecular consequence: frameshift variant. On other transcripts: non-coding transcript variant (3).
Genome position (GRCh38, 1-based): chr17:6,610,134-6,610,135, TC deleted on the plus strand (GA on the coding strand, the reverse complement: KIAA0753 is on the minus strand); deleting any 2 consecutive bases within chr17:6,610,134-6,610,136 gives the same sequence; the c. name uses the placement nearest the transcript's 3' end. VCF-style (leftmost placement, unchanged base first): chr17-6610133-GTC-G. GRCh37 (hg19) VCF-style: chr17-6513453-GTC-G.
Other names: c.1571_1572delGA (NM_014804.3); c.674_675del, p.Arg225fs (NM_001351225.2); short protein forms R225fs, R524fs.
Identifiers: ClinVar variation 439846 (VCV000439846.16), dbSNP rs770256450, ClinGen allele CA8330430.

ClinVar aggregate classification (germline): Pathogenic/Likely pathogenic. Review status: criteria provided, multiple submitters, no conflicts (2 of 4 stars). 5 submissions from 5 submitters: Pathogenic (3); Likely pathogenic (1). 1 of the submissions does not count toward it. Last evaluated 2025-11-21.

Conditions:
Short-rib thoracic dysplasia 21 without polydactyly. Identifiers: MedGen C5561961, MONDO:0030356, OMIM 619479.
Autosomal recessive KIAA0753-related disorders.
KIAA0753-related disorder.

Submissions (5):

Variantyx, Inc.
Classification: Likely pathogenic for Autosomal recessive KIAA0753-related disorders. Last evaluated: 2025-11-21. Review status: criteria provided, single submitter. Criteria: Variantyx Assertion Criteria 2022. Collection method: clinical testing. Allele origin: germline. Inheritance: Autosomal recessive inheritance. Affected: no.
Comment: This is a frameshift variant in the KIAA0753 gene (OMIM: 617112). Pathogenic variants in this gene have been associated with autosomal recessive KIAA0753-related disorders. This variant introduces a premature termination codon in exon 9¬†out of 19and is expected to result in loss of function, which is a known disease mechanism for KIAA0753 in these disorders (PMID: 34523780) (PVS1). This variant has a 0.0067% maximum allele frequency in non-founder control populations (PM2). This variant has been reported in at least 1 affected individual who carried a second variant in this gene; however, the phase of these variants could not be determined (PMID: 34523780). Based on the current evidence, this variant is classified as likely pathogenic for autosomal recessive KIAA0753-related disorders.No other variant of clinical significance was identified in the KIAA0753 gene. A single pathogenic variant in a gene associated with autosomal recessive disease is generally insufficient to cause disease. Therefore, this finding likely represents carrier status.

Blueprint Genetics
Classification: Pathogenic for KIAA0753-related disorders. Last evaluated: 2024-05-13. Review status: criteria provided, single submitter. Criteria: ACMG Guidelines, 2015. Collection method: clinical testing. Allele origin: germline. Affected: yes. Observed: 4 variant alleles.

Labcorp Genetics (formerly Invitae), Labcorp
Classification: Pathogenic. Last evaluated: 2022-11-24. Review status: criteria provided, single submitter. Criteria: Invitae Variant Classification Sherloc (09022015). Collection method: clinical testing. Allele origin: germline.
Comment: For these reasons, this variant has been classified as Pathogenic. Experimental studies have shown that this premature translational stop signal affects KIAA0753 function (PMID: 34523780). Algorithms developed to predict the effect of variants on protein structure and function are not available or were not evaluated for this variant. ClinVar contains an entry for this variant (Variation ID: 439846). This premature translational stop signal has been observed in individuals with KIAA0753-related conditions (PMID: 34016807, 34523780). This variant is present in population databases (rs770256450, gnomAD 0.005%). This sequence change creates a premature translational stop signal (p.Arg524Thrfs*7) in the KIAA0753 gene. It is expected to result in an absent or disrupted protein product. Loss-of-function variants in KIAA0753 are known to be pathogenic (PMID: 29138412).

ARUP Laboratories, Molecular Genetics and Genomics, ARUP Laboratories
Classification: Pathogenic. Last evaluated: 2017-04-08. Review status: criteria provided, single submitter. Criteria: ARUP Molecular Germline Variant Investigation Process. Collection method: clinical testing. Allele origin: germline.

OMIM
Classification: Pathogenic for SHORT-RIB THORACIC DYSPLASIA 21. Last evaluated: 2021-10-07. Review status: no assertion criteria provided. Collection method: literature only. Allele origin: germline. Not counted in ClinVar's aggregate classification.

Literature cited by the submitters: PubMed 4523780 (cited by Variantyx, Inc.); PubMed 34523780 (cited by Labcorp Genetics (formerly Invitae), Labcorp); PubMed 34016807 (cited by Labcorp Genetics (formerly Invitae), Labcorp and OMIM); PubMed 29138412 (cited by Labcorp Genetics (formerly Invitae), Labcorp).